The following is an entry in ClinVar:

ClinVar aggregate classification (germline): Uncertain significance (1 of 4 stars; one submission).

Conditions:
Familial thoracic aortic aneurysm and aortic dissection (TAAD). Also called: Thoracic aortic aneurysms and dissections. Identifiers: Orphanet 91387, MedGen C4707243, MONDO:0019625.

Allele frequency attached by ClinVar (database versions not stated): gnomAD exomes below 0.00001.

Submission:

Color Diagnostics, LLC DBA Color Health
Classification: Uncertain significance for Familial thoracic aortic aneurysm and aortic dissection. Last evaluated: 2024-03-06. Review status: criteria provided, single submitter. Criteria: ACMG Guidelines, 2015. Collection method: clinical testing. Allele origin: germline.
Comment: This missense variant replaces aspartic acid with glycine at codon 163 of the TGFBR1 protein. Computational prediction suggests that this variant may not impact protein structure and function (internally defined REVEL score threshold <= 0.5, PMID: 27666373). To our knowledge, functional studies have not been reported for this variant. This variant has not been reported in individuals affected with cardiovascular disorders in the literature. This variant has not been identified in the general population by the Genome Aggregation Database (gnomAD). The available evidence is insufficient to determine the role of this variant in disease conclusively. Therefore, this variant is classified as a Variant of Uncertain Significance.

NM_004612.4(TGFBR1):c.488A>G (p.Asp163Gly)

Gene: TGFBR1 (transforming growth factor beta receptor 1; plus strand). Cytogenetic location: 9q22.33.
Variant type: single nucleotide variant.
Coding change: c.488A>G on transcript NM_004612.4 (MANE Select); coding-DNA position 488, A replaced by G.
Protein change: p.Asp163Gly; replaces aspartic acid 163 with glycine.
Molecular consequence: missense variant. On other transcripts: intron variant (1).
Genome position (GRCh38, 1-based): chr9:99,132,653, A>G. VCF-style: chr9-99132653-A-G. GRCh37 (hg19) VCF-style: chr9-101894935-A-G.
Other names: c.500A>G, p.Asp167Gly (NM_001306210.2); c.343+3553A>G (NM_001130916.3); short protein forms D163G, D167G.
Identifiers: ClinVar variation 1332219 (VCV001332219.3), dbSNP rs2118629610, ClinGen allele CA374228205.